The following is an entry in ClinVar:

ClinVar aggregate classification (germline): Uncertain significance (1 of 4 stars; one submission).

Conditions:
Charcot-Marie-Tooth disease type 4. Also called: Charcot-Marie-Tooth disease, type IV; Charcot-Marie-Tooth, Type 4. Identifiers: Orphanet 64749, MedGen C4082197, MONDO:0018995.

Allele frequency attached by ClinVar (database versions not stated): gnomAD 0.00001; gnomAD exomes 0.00001 and 0.00002; TOPMed 0.00001; ExAC 0.00002.
gnomAD v4.1: 18 of 1,613,866 alleles (0.0011%); highest among the groups gnomAD compares: African/African-American, 0.0013%; no homozygotes.

Submission:

Labcorp Genetics (formerly Invitae), Labcorp
Classification: Uncertain significance for Charcot-Marie-Tooth disease type 4. Last evaluated: 2019-09-12. Review status: criteria provided, single submitter. Criteria: Invitae Variant Classification Sherloc (09022015). Collection method: clinical testing. Allele origin: germline.
Comment: In summary, the available evidence is currently insufficient to determine the role of this variant in disease. Therefore, it has been classified as a Variant of Uncertain Significance. Algorithms developed to predict the effect of missense changes on protein structure and function are either unavailable or do not agree on the potential impact of this missense change (SIFT: "Deleterious"; PolyPhen-2: "Probably Damaging"; Align-GVGD: "Class C0"). This variant has not been reported in the literature in individuals with SBF2-related conditions. This variant is present in population databases (rs779290368, ExAC 0.004%). This sequence change replaces arginine with cysteine at codon 1173 of the SBF2 protein (p.Arg1173Cys). The arginine residue is highly conserved and there is a large physicochemical difference between arginine and cysteine.

NM_030962.4(SBF2):c.3517C>T (p.Arg1173Cys)

Gene: SBF2 (SET binding factor 2; minus strand). Cytogenetic location: 11p15.4.
Variant type: single nucleotide variant.
Coding change: c.3517C>T on transcript NM_030962.4 (MANE Select); coding-DNA position 3517, C replaced by T.
Protein change: p.Arg1173Cys; replaces arginine 1173 with cysteine.
Molecular consequence: missense variant.
Genome position (GRCh38, 1-based): chr11:9,832,359, G>A on the plus strand (C>T on the coding strand, the complement: SBF2 is on the minus strand). VCF-style: chr11-9832359-G-A. GRCh37 (hg19) VCF-style: chr11-9853906-G-A.
Other names: c.3517C>T, p.Arg1173Cys (NM_001386339.1); c.3388C>T, p.Arg1130Cys (NM_001386342.1); short protein forms R1173C, R1130C.
Identifiers: ClinVar variation 958280 (VCV000958280.10), dbSNP rs779290368, ClinGen allele CA5881245.
Genomic context (GRCh38, chr11:9,832,359, plus strand): 5'-GAGTACCACTTCTTGAGTTCTTCCAACATACAACAGGCAGGCGATTGTGTCGATAGCAGC[G>A]AGCTACTCTTGGTAAACTACTGTCCTGTACAGCTTGAGGTACGACTAAAAGGCCAGGATA-3'
Protein context (NP_112224.1, residues 1163-1183): VQDSSLPRVA[Arg1173Cys]CYRHNRLPVV